The following is an entry in ClinVar:

NM_000143.4(FH):c.1391-11T>C

Gene: FH (fumarate hydratase; minus strand). Cytogenetic location: 1q43.
Variant type: single nucleotide variant.
Coding change: c.1391-11T>C on transcript NM_000143.4 (MANE Select); 11 bases into the intron before coding-DNA position 1391, T replaced by C.
Molecular consequence: intron variant.
Genome position (GRCh38, 1-based): chr1:241,497,981, A>G on the plus strand (T>C on the coding strand, the complement: FH is on the minus strand). VCF-style: chr1-241497981-A-G. GRCh37 (hg19) VCF-style: chr1-241661281-A-G.
Identifiers: ClinVar variation 1537441 (VCV001537441.9), dbSNP rs1659668830, ClinGen allele CA1014034257.

ClinVar aggregate classification (germline): Likely benign. Review status: criteria provided, multiple submitters, no conflicts (2 of 4 stars). 2 submissions from 2 submitters: Likely benign (2). Last evaluated 2024-10-21.

Conditions:
Hereditary leiomyomatosis and renal cell cancer. Also called: FH tumor predisposition syndrome; MULTIPLE CUTANEOUS AND UTERINE LEIOMYOMATA 1, WITH OR WITHOUT RENAL CELL CARCINOMA; LEIOMYOMA, MULTIPLE CUTANEOUS; Reed syndrome; Multiple cutaneous and uterine leiomyomatosis; Cutaneous leiomyomata with uterine leiomyomata. Identifiers: Orphanet 523, MedGen C1708350, MONDO:0007888, OMIM 150800, HP:0007437. Disease mechanism: loss of function.

Allele frequency attached by ClinVar (database versions not stated): TOPMed below 0.00001; gnomAD 0.00001.
gnomAD v4.1: 1 of 1,613,800 alleles (0.000062%); highest among the groups gnomAD compares: Non-Finnish European, 0.000085%; no homozygotes.

Submissions (2):

Myriad Genetics, Inc.
Classification: Likely benign for Hereditary leiomyomatosis and renal cell cancer. Last evaluated: 2024-10-21. Review status: criteria provided, single submitter. Criteria: Myriad Autosomal Dominant, Autosomal Recessive and X-Linked Classification Criteria (2023). Collection method: clinical testing. Allele origin: unknown.
Comment: This variant is considered likely benign. This variant is intronic and is not expected to impact mRNA splicing.

Labcorp Genetics (formerly Invitae), Labcorp
Classification: Likely benign. Last evaluated: 2022-01-31. Review status: criteria provided, single submitter. Criteria: Invitae Variant Classification Sherloc (09022015). Collection method: clinical testing. Allele origin: germline.